The following is an entry in ClinVar:

NM_000487.6(ARSA):c.1107+1G>A

Gene: ARSA (arylsulfatase A; minus strand). Cytogenetic location: 22q13.33.
Variant type: single nucleotide variant.
Coding change: c.1107+1G>A on transcript NM_000487.6 (MANE Select); the canonical splice donor site of the intron after coding-DNA position 1107, G replaced by A.
Molecular consequence: splice donor variant.
Genome position (GRCh38, 1-based): chr22:50,625,935, C>T on the plus strand (G>A on the coding strand, the complement: ARSA is on the minus strand). VCF-style: chr22-50625935-C-T. GRCh37 (hg19) VCF-style: chr22-51064363-C-T.
Other names: c.849+1G>A (NM_001362782.2, NM_001085428.3); c.1107+1G>A (NM_001085427.3, NM_001085426.3, NM_001085425.3).
Identifiers: ClinVar variation 1453841 (VCV001453841.11), dbSNP rs2146718906, ClinGen allele CA412171105.

ClinVar aggregate classification (germline): Pathogenic/Likely pathogenic. Review status: criteria provided, multiple submitters, no conflicts (2 of 4 stars). 3 submissions from 3 submitters: Pathogenic (1); Likely pathogenic (2). Last evaluated 2026-09-17.

Conditions:
Metachromatic leukodystrophy (MLD). Also called: ARSA DEFICIENCY; CEREBROSIDE SULFATASE DEFICIENCY; METACHROMATIC LEUKOENCEPHALOPATHY; Cerebral sclerosis diffuse metachromatic form; Arylsulfatase A Deficiency; SULFATIDE LIPIDOSIS. Identifiers: Orphanet 512, MedGen C0023522, MONDO:0018868, OMIM 250100.

Allele frequency attached by ClinVar (database versions not stated): gnomAD exomes below 0.00001.

Submissions (3):

Laboratory of Experimental Gene Therapy of Hereditary Metabolic Diseases, Research Centre for Medical Genetics
Classification: Likely pathogenic for Metachromatic leukodystrophy. Last evaluated: 2026-09-17. Review status: criteria provided, single submitter. Criteria: ARSA MLD Assertion Criteria V2 2026 09 18. Collection method: clinical testing. Allele origin: germline. Inheritance: Autosomal recessive inheritance. Observed: 11 variant alleles, 10 compound heterozygotes, 1 homozygote.
Comment: The previously reported Likely pathogenic classification was reviewed and retained for the accompanying study. External ClinVar record reviewed: VCV001453841.10. Observations from the present referral series were not used to establish pathogenicity.

Women's Health and Genetics/Laboratory Corporation of America, LabCorp
Classification: Likely pathogenic for Metachromatic leukodystrophy. Last evaluated: 2025-02-24. Review status: criteria provided, single submitter. Criteria: LabCorp Variant Classification Summary - May 2015. Collection method: clinical testing. Allele origin: germline.
Comment: Variant summary: ARSA c.1107+1G>A is located in a canonical splice-site and is predicted to affect mRNA splicing resulting in a significantly altered protein due to either exon skipping, shortening, or inclusion of intronic material. Variants that disrupt the consensus splice site are a relatively common cause of aberrant splicing and loss of ARSA function. Several computational tools predict a significant impact on normal splicing: Four predict the variant abolishes a canonical 5' splicing donor site. However, these predictions have yet to be confirmed by functional studies. The variant was absent in 182174 control chromosomes. c.1107+1G>A has been reported in the literature in at-least one individual affected with Metachromatic Leukodystrophy (example: Senkevich_2024). To our knowledge, no experimental evidence demonstrating an impact on protein function has been reported. The following publication has been ascertained in the context of this evaluation (PMID: 37381728). ClinVar contains an entry for this variant (Variation ID: 1453841). Based on the evidence outlined above, the variant was classified as likely pathogenic.

Labcorp Genetics (formerly Invitae), Labcorp
Classification: Pathogenic for Metachromatic leukodystrophy. Last evaluated: 2021-05-18. Review status: criteria provided, single submitter. Criteria: Invitae Variant Classification Sherloc (09022015). Collection method: clinical testing. Allele origin: germline.
Comment: For these reasons, this variant has been classified as Pathogenic. Donor and acceptor splice site variants typically lead to a loss of protein function (PMID: 16199547), and loss-of-function variants in ARSA are known to be pathogenic (PMID: 8962139, 10477432). Algorithms developed to predict the effect of sequence changes on RNA splicing suggest that this variant may disrupt the consensus splice site, but this prediction has not been confirmed by published transcriptional studies. Disruption of this splice site has been observed to be homozygous in and in combination with another ARSA variant in individuals affected with metachromatic leukodystrophy (PMID: 26131420, 20890085). This variant is not present in population databases (ExAC no frequency). This sequence change affects a donor splice site in intron 6 of the ARSA gene. It is expected to disrupt RNA splicing and likely results in an absent or disrupted protein product.

Literature cited by the submitters: PubMed 37381728 (cited by Women's Health and Genetics/Laboratory Corporation of America, LabCorp); PubMed 16199547 (cited by Labcorp Genetics (formerly Invitae), Labcorp); PubMed 8962139 (cited by Labcorp Genetics (formerly Invitae), Labcorp); PubMed 10477432 (cited by Labcorp Genetics (formerly Invitae), Labcorp); PubMed 26131420 (cited by Labcorp Genetics (formerly Invitae), Labcorp); PubMed 20890085 (cited by Labcorp Genetics (formerly Invitae), Labcorp).